The following is an entry in ClinVar:

NM_000535.7(PMS2):c.226GAA[2] (p.Glu78del)

Gene: PMS2 (PMS1 homolog 2, mismatch repair system component; minus strand). Cytogenetic location: 7p22.1.
Variant type: Microsatellite.
Coding change: c.226GAA[2] on transcript NM_000535.7 (MANE Select); two copies in a row of the 3-base unit GAA starting at c.226; the reference has three copies in a row; one copy, 3 bases deleted; also written c.232_234del.
Protein change: p.Glu78del; deletes glutamic acid 78.
Molecular consequence: inframe deletion. On other transcripts: 5 prime UTR variant (9), non-coding transcript variant (1).
Genome position (GRCh38, 1-based): chr7:6,003,988-6,003,990, TTC deleted on the plus strand (GAA on the coding strand, the reverse complement: PMS2 is on the minus strand); deleting any 3 consecutive bases within chr7:6,003,988-6,003,997 gives the same sequence; the position shown is the placement nearest the transcript's 3' end. VCF-style (leftmost placement, unchanged base first): chr7-6003987-TTTC-T. GRCh37 (hg19) VCF-style: chr7-6043618-TTTC-T.
Other names: c.-180GAA[2] (NM_001322003.2, NM_001322004.2, NM_001322005.2 and 3 more transcripts); c.226GAA[2], p.Glu78del (NM_001322006.2, NM_001322014.2); c.11GAA[2], p.Arg6del (NM_001322007.2, NM_001322008.2); c.-659GAA[2] (NM_001322011.2, NM_001322012.2); c.-259GAA[2] (NM_001322015.2); c.232_234del (NM_000535.7); short protein forms E78del, R6del.
Identifiers: ClinVar variation 41711 (VCV000041711.18), dbSNP rs386833411, ClinGen allele CA011242.

ClinVar aggregate classification (germline): Uncertain significance. Review status: criteria provided, multiple submitters, no conflicts (2 of 4 stars). 5 submissions from 5 submitters: Uncertain significance (4). 1 of the submissions does not count toward it. Last evaluated 2025-07-29.

Conditions:
Hereditary nonpolyposis colorectal neoplasms. Identifiers: MedGen C0009405, MeSH D003123.
Lynch syndrome 4 (LYNCH4). Also called: Colorectal cancer, hereditary nonpolyposis, type 4; Hereditary non-polyposis colorectal cancer, type 4. Identifiers: Orphanet 144, MedGen C1838333, MONDO:0013699, OMIM 614337. Disease mechanism: loss of function.
Mismatch repair cancer syndrome 4. Identifiers: MedGen C5436817, MONDO:0030843, OMIM 619101.
Hereditary cancer-predisposing syndrome. Also called: Hereditary neoplastic syndrome; Neoplastic Syndromes, Hereditary; Hereditary Cancer Syndrome; Tumor predisposition. Identifiers: Orphanet 140162, MedGen C0027672, MeSH D009386, MONDO:0015356.

Submissions (5):

Labcorp Genetics (formerly Invitae), Labcorp
Classification: Uncertain significance for Hereditary nonpolyposis colorectal neoplasms. Last evaluated: 2025-07-29. Review status: criteria provided, single submitter. Criteria: Invitae Variant Classification Sherloc (09022015). Collection method: clinical testing. Allele origin: germline.
Comment: This variant, c.232_234del, results in the deletion of 1 amino acid(s) of the PMS2 protein (p.Glu78del), but otherwise preserves the integrity of the reading frame. This variant is not present in population databases (gnomAD no frequency). This variant has not been reported in the literature in individuals affected with PMS2-related conditions. ClinVar contains an entry for this variant (Variation ID: 41711). Experimental studies and prediction algorithms are not available or were not evaluated, and the functional significance of this variant is currently unknown. In summary, the available evidence is currently insufficient to determine the role of this variant in disease. Therefore, it has been classified as a Variant of Uncertain Significance.

Ambry Genetics
Classification: Uncertain significance for Hereditary cancer-predisposing syndrome. Last evaluated: 2024-04-19. Review status: criteria provided, single submitter. Criteria: Ambry Variant Classification Scheme 2023. Collection method: clinical testing. Allele origin: germline.
Comment: The c.232_234delGAA variant (also known as p.E78del) is located in coding exon 3 of the PMS2 gene. This variant results from an in-frame GAA deletion at nucleotide positions 232 to 234. This results in the in-frame deletion of a glutamic acid at codon 78. This amino acid position is not well conserved in available vertebrate species. In addition, this alteration is predicted to be deleterious by in silico analysis (Choi Y et al. PLoS ONE. 2012; 7(10):e46688). Based on the available evidence, the clinical significance of this variant remains unclear.

Color Diagnostics, LLC DBA Color Health
Classification: Uncertain significance for Hereditary cancer-predisposing syndrome. Last evaluated: 2023-05-31. Review status: criteria provided, single submitter. Criteria: ACMG Guidelines, 2015. Collection method: clinical testing. Allele origin: germline.
Comment: This variant causes an in-frame deletion of one amino acid in the PMS2 protein. To our knowledge, functional studies have not been reported for this variant. This variant has not been reported in individuals affected with PMS2-related disorders in the literature. This variant has not been identified in the general population by the Genome Aggregation Database (gnomAD). The available evidence is insufficient to determine the role of this variant in disease conclusively. Therefore, this variant is classified as a Variant of Uncertain Significance.

Department of Pathology and Laboratory Medicine, Sinai Health System
Classification: Uncertain significance for Lynch syndrome 4; Mismatch repair cancer syndrome 4. Last evaluated: 2020-03-25. Review status: criteria provided, single submitter. Criteria: ACMG Guidelines, 2015. Collection method: clinical testing. Allele origin: germline. Affected: no.

Biesecker Lab/Clinical Genomics Section, National Institutes of Health
Classification: Uncertain significance. Last evaluated: 2012-07-13. Review status: no assertion criteria provided. Collection method: research. Allele origin: germline. Affected: no. Observed: 1 variant allele. Study: ClinSeq. Not counted in ClinVar's aggregate classification.
ClinVar note: Converted during submission from variant of unknown significance to Uncertain significance.